The following is an entry in ClinVar:

ClinVar aggregate classification (germline): Pathogenic (1 of 4 stars; one submission).

Conditions:
Myoclonic dystonia 11 (DYT11). Also called: SGCE Myoclonus-Dystonia; Myoclonus-Dystonia; DYT-SGCE; Myoclonic dystonia; Dystonia 11; Dystonia, alcohol responsive. Identifiers: Orphanet 36899, MedGen C1834570, MONDO:0008044, OMIM 159900.

Submission:

Labcorp Genetics (formerly Invitae), Labcorp
Classification: Pathogenic for Myoclonic dystonia 11. Last evaluated: 2021-11-27. Review status: criteria provided, single submitter. Criteria: Invitae Variant Classification Sherloc (09022015). Collection method: clinical testing. Allele origin: germline.
Comment: ClinVar contains an entry for this variant (Variation ID: 654222). For these reasons, this variant has been classified as Pathogenic. This variant has not been reported in the literature in individuals affected with SGCE-related conditions. This variant is not present in population databases (gnomAD no frequency). This sequence change creates a premature translational stop signal (p.Ala204Profs*2) in the SGCE gene. It is expected to result in an absent or disrupted protein product. Loss-of-function variants in SGCE are known to be pathogenic (PMID: 12821748, 15389977, 17853490, 24297365).

Literature cited by the submitters: PubMed 12821748; PubMed 15389977; PubMed 17853490; PubMed 24297365.

NM_003919.3(SGCE):c.610del (p.Ala204fs)

Genes: CASD1 (CAS1 domain sialic acid O acetyltransferase 1; plus strand), SGCE (sarcoglycan epsilon; minus strand). Cytogenetic location: 7q21.3.
Variant type: Deletion.
Coding change: c.610del on transcript NM_003919.3 (MANE Select); coding-DNA position 610, one base deleted (G; older notation c.610delG).
Protein change: p.Ala204fs; shifts the reading frame from alanine 204.
Molecular consequence: frameshift variant.
Genome position (GRCh38, 1-based): chr7:94,618,810, C deleted on the plus strand (G on the coding strand, the reverse complement: SGCE is on the minus strand); the first of 2 consecutive C bases (chr7:94,618,810-94,618,811); deleting either gives the same sequence. VCF-style (leftmost placement, unchanged base first): chr7-94618809-GC-G. GRCh37 (hg19) VCF-style: chr7-94248121-GC-G.
Other names: c.610delG (NM_003919.2); c.610del, p.Ala204fs (NM_001099400.2, NM_001099401.2, NM_001346717.2); c.487del, p.Ala163fs (NM_001301139.2, NM_001362809.2); c.718del, p.Ala240fs (NM_001346713.2, NM_001346715.2); c.523del, p.Ala175fs (NM_001346719.2, NM_001362807.2); c.337del, p.Ala113fs (NM_001346720.2, NM_001362808.2); short protein forms A113fs, A175fs, A240fs, A163fs, A204fs.
Identifiers: ClinVar variation 654222 (VCV000654222.6), dbSNP rs1584637958, ClinGen allele CA915945358.